The following is an entry in ClinVar:

NC_000012.12:g.121626990G>A

Genes: ORAI1 (ORAI calcium release-activated calcium modulator 1; plus strand), LOC130008987 (ATAC-STARR-seq lymphoblastoid silent region 4981; plus strand). Cytogenetic location: 12q24.31.
Variant type: single nucleotide variant.
Genome position: GRCh38 VCF-style: chr12-121626990-G-A. GRCh37 (hg19) VCF-style: chr12-122064896-G-A.
Other names: c.243G>A, p.Leu81= (NM_032790.4).
Identifiers: ClinVar variation 1159141 (VCV001159141.15), dbSNP rs782500934, ClinGen allele CA244608571.

ClinVar aggregate classification (germline): Likely benign. Review status: criteria provided, multiple submitters, no conflicts (2 of 4 stars). 2 submissions from 2 submitters: Likely benign (2). Last evaluated 2025-12-09.

Conditions:
Combined immunodeficiency due to ORAI1 deficiency. Also called: IMMUNODEFICIENCY 9. Identifiers: Orphanet 169090, Orphanet 317428, MedGen C2748568, MONDO:0013007, OMIM 612782.
Myopathy, tubular aggregate, 2 (TAM2). Identifiers: MedGen C4014557, MONDO:0014383, OMIM 615883.

Allele frequency attached by ClinVar (database versions not stated): gnomAD 0.00001; gnomAD exomes 0.00003 and 0.00007; TOPMed 0.00003; ExAC 0.00006.

Submissions (2):

Labcorp Genetics (formerly Invitae), Labcorp
Classification: Likely benign for Myopathy, tubular aggregate, 2; Combined immunodeficiency due to ORAI1 deficiency. Last evaluated: 2025-12-09. Review status: criteria provided, single submitter. Criteria: Invitae Variant Classification Sherloc (09022015). Collection method: clinical testing. Allele origin: germline.

CeGaT Center for Human Genetics Tuebingen
Classification: Likely benign. Last evaluated: 2025-11-01. Review status: criteria provided, single submitter. Criteria: CeGaT Center For Human Genetics Tuebingen Variant Classification Criteria Version 2. Collection method: clinical testing. Allele origin: germline. Affected: yes. Observed: 1 variant allele.
Comment: ORAI1: BP4, BP7